The following is an entry in ClinVar:

ClinVar aggregate classification (germline): Uncertain significance (1 of 4 stars; one submission).

Submission:

GeneDx
Classification: Uncertain significance. Last evaluated: 2022-10-23. Review status: criteria provided, single submitter. Criteria: GeneDx Variant Classification Process June 2021. Collection method: clinical testing. Allele origin: germline. Affected: yes.
Comment: Not observed at significant frequency in large population cohorts (gnomAD); In silico analysis suggests that this missense variant does not alter protein structure/function, but splice predictors indicate this variant may impact gene splicing. In the absence of RNA/functional studies, the actual effect of this sequence change is unknown.; Has not been previously published as pathogenic or benign to our knowledge

NM_016312.3(WBP11):c.386A>G (p.Lys129Arg)

Gene: WBP11 (WW domain binding protein 11; minus strand). Cytogenetic location: 12p12.3.
Variant type: single nucleotide variant.
Coding change: c.386A>G on transcript NM_016312.3 (MANE Select); coding-DNA position 386, A replaced by G.
Protein change: p.Lys129Arg; replaces lysine 129 with arginine.
Molecular consequence: missense variant.
Genome position (GRCh38, 1-based): chr12:14,796,808, T>C on the plus strand (A>G on the coding strand, the complement: WBP11 is on the minus strand). VCF-style: chr12-14796808-T-C. GRCh37 (hg19) VCF-style: chr12-14949742-T-C.
Other names: short protein forms K129R.
Identifiers: ClinVar variation 2499866 (VCV002499866.1), dbSNP rs2498066926, ClinGen allele CA384011713.